The following is an entry in ClinVar:

NM_001909.5(CTSD):c.914_947del (p.Val305fs)

Gene: CTSD (cathepsin D; minus strand). Cytogenetic location: 11p15.5.
Variant type: Deletion.
Coding change: c.914_947del on transcript NM_001909.5 (MANE Select); coding-DNA positions 914 to 947, 34 bases deleted.
Protein change: p.Val305fs; shifts the reading frame from valine 305.
Molecular consequence: frameshift variant.
Genome position (GRCh38, 1-based): chr11:1,754,019-1,754,052, 34 bases deleted; deleting any 34 consecutive bases within chr11:1,754,019-1,754,055 gives the same sequence; the c. name uses the placement nearest the transcript's 3' end. GRCh37 (hg19): chr11:1,775,252-1,775,285.
Other names: short protein forms V305fs.
Identifiers: ClinVar variation 1999365 (VCV001999365.4), dbSNP rs2493816889, ClinGen allele CA2580082670.

ClinVar aggregate classification (germline): Pathogenic (1 of 4 stars; one submission).

Conditions:
Neuronal ceroid lipofuscinosis. Also called: Neuronal Ceroid Lipofuscinoses. Identifiers: Orphanet 216, Orphanet 79263, MedGen C0027877, MONDO:0016295. Disease mechanism: loss of function.

Submission:

Labcorp Genetics (formerly Invitae), Labcorp
Classification: Pathogenic for Neuronal ceroid lipofuscinosis. Last evaluated: 2022-05-27. Review status: criteria provided, single submitter. Criteria: Invitae Variant Classification Sherloc (09022015). Collection method: clinical testing. Allele origin: germline.
Comment: This sequence change creates a premature translational stop signal (p.Val305Glyfs*5) in the CTSD gene. It is expected to result in an absent or disrupted protein product. Loss-of-function variants in CTSD are known to be pathogenic (PMID: 16670177, 26059544). This variant is not present in population databases (gnomAD no frequency). This variant has not been reported in the literature in individuals affected with CTSD-related conditions. For these reasons, this variant has been classified as Pathogenic.

Literature cited by the submitters: PubMed 16670177; PubMed 26059544.